The following is an entry in ClinVar:

NC_000010.10:g.(?_97951709)_(98031175_?)dup

Gene: BLNK (B cell linker; minus strand). Cytogenetic location: 10q24.1.
Variant type: Duplication.
Identifiers: ClinVar variation 583685 (VCV000583685.2).

ClinVar aggregate classification (germline): Uncertain significance (1 of 4 stars; one submission).

Conditions:
Agammaglobulinemia 4, autosomal recessive (AGM4). Also called: AGAMMAGLOBULINEMIA, AUTOSOMAL RECESSIVE, DUE TO BLNK DEFECT; B cell linker protein deficiency. Identifiers: MedGen C3150752, MONDO:0013289, OMIM 613502.

Submission:

Labcorp Genetics (formerly Invitae), Labcorp
Classification: Uncertain significance for Agammaglobulinemia 4, autosomal recessive. Last evaluated: 2019-05-10. Review status: criteria provided, single submitter. Criteria: Invitae Variant Classification Sherloc (09022015). Collection method: clinical testing. Allele origin: germline.
Comment: A gross duplication of the genomic region encompassing the full coding sequence of the BLNK gene has been identified. The boundaries of this event are unknown as the duplication extends beyond the assayed region for this gene and therefore may encompass additional genes. As the precise location of this duplication is unknown, it may be in tandem or it may be located elsewhere in the genome. This variant has not been reported in the literature in individuals with BLNK-related disease. In summary, the available evidence is currently insufficient to determine the role of this variant in disease. Therefore, it has been classified as a Variant of Uncertain Significance.